The following is an entry in ClinVar:

ClinVar aggregate classification (germline): Pathogenic/Likely pathogenic. Review status: criteria provided, multiple submitters, no conflicts (2 of 4 stars). 2 submissions from 2 submitters: Pathogenic (1); Likely pathogenic (1). Last evaluated 2019-06-21.

Conditions:
Deafness-lymphedema-leukemia syndrome. Also called: Emberger syndrome; Lymphedema, primary, with myelodysplasia. Identifiers: Orphanet 3226, MedGen C3279664, MONDO:0013540, OMIM 614038.
Monocytopenia with susceptibility to infections. Also called: MONOCYTOPENIA AND MYCOBACTERIAL INFECTION SYNDROME; MONOCYTOPENIA WITH SUSCEPTIBILITY TO MYCOBACTERIAL, FUNGAL, AND PAPILLOMAVIRUS INFECTIONS AND MYELODYSPLASIA; COMBINED IMMUNODEFICIENCY WITH SUSCEPTIBILITY TO MYCOBACTERIAL, VIRAL, AND FUNGAL INFECTIONS; IMMUNODEFICIENCY 21; GATA2 DEFICIENCY; Dendritic cell, monocyte, B lymphocyte, and natural killer lymphocyte deficiency. Identifiers: Orphanet 228423, MedGen C3280030, MONDO:0013607, OMIM 614172.

Submissions (2):

Labcorp Genetics (formerly Invitae), Labcorp
Classification: Pathogenic for Monocytopenia with susceptibility to infections; Deafness-lymphedema-leukemia syndrome. Last evaluated: 2019-06-21. Review status: criteria provided, single submitter. Criteria: Invitae Variant Classification Sherloc (09022015). Collection method: clinical testing. Allele origin: germline.
Comment: For these reasons, this variant has been classified as Pathogenic. Loss-of-function variants in GATA2 are known to be pathogenic (PMID: 21670465, 23223431). This sequence change creates a premature translational stop signal (p.Arg343*) in the GATA2 gene. It is expected to result in an absent or disrupted protein product. This variant is not present in population databases (ExAC no frequency). This variant has not been reported in the literature in individuals with GATA2-related conditions.

PreventionGenetics, part of Exact Sciences
Classification: Likely pathogenic. Last evaluated: 2018-08-07. Review status: criteria provided, single submitter. Criteria: ACMG Guidelines, 2015. Collection method: clinical testing. Allele origin: germline.

Literature cited by the submitters: PubMed 21670465 (cited by Labcorp Genetics (formerly Invitae), Labcorp); PubMed 23223431 (cited by Labcorp Genetics (formerly Invitae), Labcorp).

NM_032638.5(GATA2):c.1027A>T (p.Arg343Ter)

Gene: GATA2 (GATA binding protein 2; minus strand). Cytogenetic location: 3q21.3.
Variant type: single nucleotide variant.
Coding change: c.1027A>T on transcript NM_032638.5 (MANE Select); coding-DNA position 1027, A replaced by T.
Protein change: p.Arg343Ter; replaces arginine 343 with a stop codon.
Molecular consequence: nonsense. On other transcripts: intron variant (1).
Genome position (GRCh38, 1-based): chr3:128,481,935, T>A on the plus strand (A>T on the coding strand, the complement: GATA2 is on the minus strand). VCF-style: chr3-128481935-T-A. GRCh37 (hg19) VCF-style: chr3-128200778-T-A.
Other names: c.1027A>T, p.Arg343Ter (NM_001145661.2); c.1018-33A>T (NM_001145662.1); short protein forms R343*.
Identifiers: ClinVar variation 800674 (VCV000800674.9), dbSNP rs1313081073, ClinGen allele CA354413698.
Genomic context (GRCh38, chr3:128,481,935, plus strand): 5'-TTCGGCGCCATAAGGTGGTGGTTGTCGTCTGACAATTTGCACAACAGGTGCCGGCTCTTC[T>A]GGCGGCCGACTGGGAGGGCAAGGCAGCGTCAGCAGGCTGGACTCCCACGCCCACCTCGAC-3'